The following is an entry in ClinVar:

ClinVar aggregate classification (germline): Uncertain significance. Review status: criteria provided, multiple submitters, no conflicts (2 of 4 stars). 2 submissions from 2 submitters: Uncertain significance (2). Last evaluated 2026-01-20.

Conditions:
Inborn genetic diseases. Identifiers: MedGen C0950123, MeSH D030342.

Allele frequency attached by ClinVar (database versions not stated): gnomAD exomes below 0.00001; ExAC 0.00001.
gnomAD v4.1: 6 of 1,614,158 alleles (0.00037%); highest among the groups gnomAD compares: Non-Finnish European, 0.00051%; no homozygotes.

Submissions (2):

Ambry Genetics
Classification: Uncertain significance for Inborn genetic diseases. Last evaluated: 2026-01-20. Review status: criteria provided, single submitter. Criteria: Ambry Variant Classification Scheme 2023. Collection method: clinical testing. Allele origin: germline.
Comment: The p.E249K variant (also known as c.745G>A), located in coding exon 7 of the USB1 gene, results from a G to A substitution at nucleotide position 745. The glutamic acid at codon 249 is replaced by lysine, an amino acid with similar properties. This amino acid position is conserved. In addition, this alteration is predicted to be tolerated by in silico analysis. Based on the available evidence, the clinical significance of this variant remains unclear.

Labcorp Genetics (formerly Invitae), Labcorp
Classification: Uncertain significance. Last evaluated: 2021-09-15. Review status: criteria provided, single submitter. Criteria: Invitae Variant Classification Sherloc (09022015). Collection method: clinical testing. Allele origin: germline.
Comment: In summary, the available evidence is currently insufficient to determine the role of this variant in disease. Therefore, it has been classified as a Variant of Uncertain Significance. Algorithms developed to predict the effect of missense changes on protein structure and function output the following: SIFT: "Not Available"; PolyPhen-2: "Benign"; Align-GVGD: "Not Available". The lysine amino acid residue is found in multiple mammalian species, which suggests that this missense change does not adversely affect protein function. This variant has not been reported in the literature in individuals affected with USB1-related conditions. The frequency data for this variant in the population databases is considered unreliable, as metrics indicate poor data quality at this position in the ExAC database. This sequence change replaces glutamic acid with lysine at codon 249 of the USB1 protein (p.Glu249Lys). The glutamic acid residue is moderately conserved and there is a small physicochemical difference between glutamic acid and lysine.

NM_024598.4(USB1):c.745G>A (p.Glu249Lys)

Gene: USB1 (U6 snRNA biogenesis phosphodiesterase 1; plus strand). Cytogenetic location: 16q21.
Variant type: single nucleotide variant.
Coding change: c.745G>A on transcript NM_024598.4 (MANE Select); coding-DNA position 745, G replaced by A.
Protein change: p.Glu249Lys; replaces glutamic acid 249 with lysine.
Molecular consequence: missense variant.
Genome position (GRCh38, 1-based): chr16:58,020,192, G>A. VCF-style: chr16-58020192-G-A. GRCh37 (hg19) VCF-style: chr16-58054096-G-A.
Other names: c.691G>A, p.Glu231Lys (NM_001195302.2); c.592G>A, p.Glu198Lys (NM_001330568.2); c.745G>A (NM_024598.3); short protein forms E198K, E249K, E231K.
Identifiers: ClinVar variation 1462778 (VCV001462778.7), dbSNP rs756831672, ClinGen allele CA8085047.